The following is an entry in ClinVar:

ClinVar aggregate classification (germline): Conflicting classifications of pathogenicity. Review status: criteria provided, conflicting classifications (1 of 4 stars). 8 submissions from 8 submitters: Uncertain significance (3); Benign (1); Likely benign (3). 1 of the submissions does not count toward it. Last evaluated 2026-06-01.

Conditions:
DNAH11-related disorder. Also called: DNAH11-related condition.
Primary ciliary dyskinesia. Also called: Ciliary dyskinesia. Identifiers: Orphanet 244, MedGen C0008780, MONDO:0016575, HP:0012265.
Primary ciliary dyskinesia 7. Also called: CILIARY DYSKINESIA, PRIMARY, 7, WITH OR WITHOUT SITUS INVERSUS. Identifiers: Orphanet 244, MedGen C2678473, MONDO:0012748, OMIM 611884.

Allele frequency attached by ClinVar (database versions not stated): gnomAD 0.00171 and 0.00170; TOPMed 0.00178; 1000 Genomes Project 30x 0.00094; 1000 Genomes Project 0.00100; ESP Exome Variant Server 0.00143; gnomAD exomes 0.00150.
gnomAD v4.1: 3,522 of 1,612,038 alleles (0.22%); highest among the groups gnomAD compares: Non-Finnish European, 0.27%; 4 homozygotes.

Submissions (8):

CeGaT Center for Human Genetics Tuebingen
Classification: Likely benign. Last evaluated: 2026-06-01. Review status: criteria provided, single submitter. Criteria: CeGaT Center For Human Genetics Tuebingen Variant Classification Criteria Version 2. Collection method: clinical testing. Allele origin: germline. Affected: yes. Observed: 6 variant alleles.
Comment: DNAH11: BP4

Labcorp Genetics (formerly Invitae), Labcorp
Classification: Benign for Primary ciliary dyskinesia. Last evaluated: 2026-02-02. Review status: criteria provided, single submitter. Criteria: Invitae Variant Classification Sherloc (09022015). Collection method: clinical testing. Allele origin: germline.

Mayo Clinic Laboratories, Mayo Clinic
Classification: Likely benign. Last evaluated: 2025-12-05. Review status: criteria provided, single submitter. Criteria: ACMG Guidelines, 2015. Collection method: clinical testing. Allele origin: germline. Observed: 1 variant allele.
Comment: BS1, BP4_moderate

Blueprint Genetics
Classification: Likely benign. Last evaluated: 2024-11-27. Review status: criteria provided, single submitter. Criteria: ACMG Guidelines, 2015. Collection method: clinical testing. Allele origin: germline.

GeneDx
Classification: Uncertain significance. Last evaluated: 2021-12-18. Review status: criteria provided, single submitter. Criteria: GeneDx Variant Classification Process June 2021. Collection method: clinical testing. Allele origin: germline. Affected: yes.
Comment: Identified in a patient with familial hypercholesterolemia in published literature, although additional molecular and personal phenotypic history is not provided (Marmontel O et al., 2020); In-silico analysis is inconclusive as to whether the variant alters gene splicing. In the absence of RNA/functional studies, the actual effect of this sequence change is unknown.; This variant is associated with the following publications: (PMID: 33111339)

Fulgent Genetics
Classification: Uncertain significance for Primary ciliary dyskinesia 7. Last evaluated: 2017-05-23. Review status: criteria provided, single submitter. Criteria: ACMG Guidelines, 2015. Collection method: clinical testing. Allele origin: unknown.

Eurofins Ntd Llc (ga)
Classification: Uncertain significance. Last evaluated: 2015-06-23. Review status: criteria provided, single submitter. Criteria: EGL Classification Definitions 2015. Collection method: clinical testing. Allele origin: germline. Observed: 2 variant alleles, 2 heterozygotes.

PreventionGenetics, part of Exact Sciences
Classification: Likely benign for DNAH11-related condition. Last evaluated: 2023-10-03. Review status: no assertion criteria provided. Collection method: clinical testing. Allele origin: germline. Not counted in ClinVar's aggregate classification.
Comment: This variant is classified as likely benign based on ACMG/AMP sequence variant interpretation guidelines (Richards et al. 2015 PMID: 25741868, with internal and published modifications).

Literature cited by the submitters: PubMed 33111339 (cited by Mayo Clinic Laboratories, Mayo Clinic).

NM_001277115.2(DNAH11):c.4001T>C (p.Ile1334Thr)

Gene: DNAH11 (dynein axonemal heavy chain 11; plus strand). Cytogenetic location: 7p15.3.
Variant type: single nucleotide variant.
Coding change: c.4001T>C on transcript NM_001277115.2 (MANE Select); coding-DNA position 4001, T replaced by C.
Protein change: p.Ile1334Thr; replaces isoleucine 1334 with threonine.
Molecular consequence: missense variant.
Genome position (GRCh38, 1-based): chr7:21,615,262, T>C. VCF-style: chr7-21615262-T-C. GRCh37 (hg19) VCF-style: chr7-21654880-T-C.
Other names: p.Ile1334Thr; short protein forms I1334T.
Identifiers: ClinVar variation 195579 (VCV000195579.46), dbSNP rs72657309, ClinGen allele CA242059.
Genomic context (GRCh38, chr7:21,615,262, plus strand): 5'-AACAAATGAAACAGTGTCGCAAAGAAATAAAATTGCTCAAGGGACTGTGGGATGTCATTA[T>C]TTATGTTCGAGTAAGATGTGCTTTTTCAAAACATGCTTTTTATTTAGTAGTTCTTTTACA-3'
Protein context (NP_001264044.1, residues 1324-1344): KLLKGLWDVI[Ile1334Thr]YVRRSIDNWT